The following is an entry in ClinVar:

NM_130839.5(UBE3A):c.340G>A (p.Gly114Ser)

Genes: SNHG14 (small nucleolar RNA host gene 14; plus strand), UBE3A (ubiquitin protein ligase E3A; minus strand). Cytogenetic location: 15q11.2.
Variant type: single nucleotide variant.
Coding change: c.340G>A on transcript NM_130839.5 (MANE Select); coding-DNA position 340, G replaced by A.
Protein change: p.Gly114Ser; replaces glycine 114 with serine.
Molecular consequence: missense variant. On other transcripts: non-coding transcript variant (1).
Genome position (GRCh38, 1-based): chr15:25,375,486, C>T on the plus strand (G>A on the coding strand, the complement: UBE3A is on the minus strand). VCF-style: chr15-25375486-C-T. GRCh37 (hg19) VCF-style: chr15-25620633-C-T.
Other names: c.349G>A, p.Gly117Ser (NM_000462.5); c.340G>A, p.Gly114Ser (NM_001354505.1, NM_001354538.2, NM_001354545.2 and 1 more transcripts); c.280G>A, p.Gly94Ser (NM_001354506.2, NM_001354507.2, NM_001354508.2 and 18 more transcripts); c.163G>A, p.Gly55Ser (NM_001354546.2); short protein forms G114S, G117S, G55S, G94S.
Identifiers: ClinVar variation 2571878 (VCV002571878.1), dbSNP rs1425885137, ClinGen allele CA391356094.

ClinVar aggregate classification (germline): Uncertain significance (1 of 4 stars; one submission).

Allele frequency attached by ClinVar (database versions not stated): gnomAD exomes below 0.00001; TOPMed below 0.00001.
gnomAD v4.1: 1 of 1,614,088 alleles (0.000062%); highest among the groups gnomAD compares: African/African-American, 0.0013%; no homozygotes.

Submission:

GeneDx
Classification: Uncertain significance. Last evaluated: 2023-01-06. Review status: criteria provided, single submitter. Criteria: GeneDx Variant Classification Process June 2021. Collection method: clinical testing. Allele origin: germline. Affected: yes.
Comment: Not observed at significant frequency in large population cohorts (gnomAD); In silico analysis supports that this missense variant does not alter protein structure/function; Has not been previously published as pathogenic or benign to our knowledge